The following is an entry in ClinVar:

ClinVar aggregate classification (germline): Uncertain significance (1 of 4 stars; one submission).

Conditions:
Hereditary pancreatitis (PCTT). Also called: PRSS1-Related Hereditary Pancreatitis; Hereditary chronic pancreatitis. Identifiers: Orphanet 676, MedGen C0238339, MONDO:0008185, OMIM 167800.

Allele frequency attached by ClinVar (database versions not stated): gnomAD exomes below 0.00001; ExAC 0.00001; gnomAD 0.00001.
gnomAD v4.1: 2 of 1,613,824 alleles (0.00012%); highest among the groups gnomAD compares: Admixed American, 0.0017%; no homozygotes.

Submission:

Ambry Genetics
Classification: Uncertain significance for Hereditary pancreatitis. Last evaluated: 2024-02-28. Review status: criteria provided, single submitter. Criteria: Ambry Variant Classification Scheme 2023. Collection method: clinical testing. Allele origin: germline.
Comment: The c.1258T>C variant (also known as p.*420REXT*22), located in coding exon 10 of the CPA1 gene, results from a T to C substitution at nucleotide position 1258, which is in the last codon of the CPA1 gene. The stop codon at position 420 is replaced by arginine, resulting in an elongation of the protein by 22 amino acids. The exact functional impact of these inserted amino acids is unknown at this time. Since supporting evidence is limited at this time, the clinical significance of this alteration remains unclear.

NM_001868.4(CPA1):c.1258T>C (p.Ter420Arg)

Gene: CPA1 (carboxypeptidase A1; plus strand). Cytogenetic location: 7q32.2.
Variant type: single nucleotide variant.
Coding change: c.1258T>C on transcript NM_001868.4 (MANE Select); coding-DNA position 1258, T replaced by C.
Protein change: p.Ter420Arg.
Molecular consequence: stop lost.
Genome position (GRCh38, 1-based): chr7:130,388,009, T>C. VCF-style: chr7-130388009-T-C. GRCh37 (hg19) VCF-style: chr7-130027850-T-C.
Identifiers: ClinVar variation 818725 (VCV000818725.4), dbSNP rs782257247, ClinGen allele CA4485091.